The following is an entry in ClinVar:

NM_001999.4(FBN2):c.6986G>A (p.Arg2329Gln)

Gene: FBN2 (fibrillin 2; minus strand). Cytogenetic location: 5q23.3.
Variant type: single nucleotide variant.
Coding change: c.6986G>A on transcript NM_001999.4 (MANE Select); coding-DNA position 6986, G replaced by A.
Protein change: p.Arg2329Gln; replaces arginine 2329 with glutamine.
Molecular consequence: missense variant.
Genome position (GRCh38, 1-based): chr5:128,286,744, C>T on the plus strand (G>A on the coding strand, the complement: FBN2 is on the minus strand). VCF-style: chr5-128286744-C-T. GRCh37 (hg19) VCF-style: chr5-127622436-C-T.
Other names: short protein forms R2329Q.
Identifiers: ClinVar variation 645074 (VCV000645074.22), dbSNP rs370804151, ClinGen allele CA3394256.

ClinVar aggregate classification (germline): Conflicting classifications of pathogenicity. Review status: criteria provided, conflicting classifications (1 of 4 stars). 7 submissions from 7 submitters: Uncertain significance (4); Likely benign (3). Last evaluated 2026-02-09.

Conditions:
Familial thoracic aortic aneurysm and aortic dissection (TAAD). Also called: Thoracic aortic aneurysms and dissections. Identifiers: Orphanet 91387, MedGen C4707243, MONDO:0019625.
Congenital contractural arachnodactyly (CCA). Also called: Beals-Hecht syndrome; Arthrogryposis, distal, type 9; BEALS SYNDROME. Identifiers: Orphanet 115, MedGen C0220668, MONDO:0007363, OMIM 121050.

Allele frequency attached by ClinVar (database versions not stated): gnomAD 0.00003; TOPMed 0.00004; ESP Exome Variant Server 0.00008; ExAC 0.00016.
gnomAD v4.1: 126 of 1,614,140 alleles (0.0078%); highest among the groups gnomAD compares: South Asian, 0.078%; no homozygotes.

Submissions (7):

Women's Health and Genetics/Laboratory Corporation of America, LabCorp
Classification: Uncertain significance. Last evaluated: 2026-02-09. Review status: criteria provided, single submitter. Criteria: LabCorp Variant Classification Summary - May 2015. Collection method: clinical testing. Allele origin: germline.

Labcorp Genetics (formerly Invitae), Labcorp
Classification: Likely benign for Congenital contractural arachnodactyly. Last evaluated: 2025-12-13. Review status: criteria provided, single submitter. Criteria: Invitae Variant Classification Sherloc (09022015). Collection method: clinical testing. Allele origin: germline.

Blueprint Genetics
Classification: Likely benign. Last evaluated: 2024-05-08. Review status: criteria provided, single submitter. Criteria: ACMG Guidelines, 2015. Collection method: clinical testing. Allele origin: germline.

GeneDx
Classification: Uncertain significance. Last evaluated: 2022-12-14. Review status: criteria provided, single submitter. Criteria: GeneDx Variant Classification Process June 2021. Collection method: clinical testing. Allele origin: germline. Affected: yes.
Comment: Has not been previously published as pathogenic or benign to our knowledge; In silico analysis supports that this missense variant does not alter protein structure/function; Although located in a calcium-binding EGF-like domain of the FBN2 gene, it does not substitute or introduce a cysteine residue (Callewaert et al., 2009; Frederic et al., 2009); This variant is associated with the following publications: (PMID: 19006240, 18767143)

Ambry Genetics
Classification: Likely benign for Familial thoracic aortic aneurysm and aortic dissection. Last evaluated: 2021-03-29. Review status: criteria provided, single submitter. Criteria: Ambry Variant Classification Scheme 2023. Collection method: clinical testing. Allele origin: germline.

ARUP Laboratories, Molecular Genetics and Genomics, ARUP Laboratories
Classification: Uncertain significance. Last evaluated: 2021-01-29. Review status: criteria provided, single submitter. Criteria: ARUP Molecular Germline Variant Investigation Process 2021. Collection method: clinical testing. Allele origin: germline.
Comment: The FBN2 c.6986G>A; p.Arg2329Gln variant (rs370804151), to our knowledge, is not reported in the medical literature but is reported in ClinVar (Variation ID: 645074). This variant is found in the South Asian population with an overall allele frequency of 0.07% (21/30612 alleles) in the Genome Aggregation Database. The arginine at codon 2329 is moderately conserved, and computational analyses are uncertain whether this variant is neutral or deleterious (REVEL: 0.392). Due to limited information, the clinical significance of the p.Arg2329Gln variant is uncertain at this time.

Revvity Omics, Revvity
Classification: Uncertain significance. Last evaluated: 2019-04-16. Review status: criteria provided, single submitter. Criteria: ACMG Guidelines, 2015. Collection method: clinical testing. Allele origin: germline.